The following is an entry in ClinVar:

ClinVar aggregate classification (germline): Conflicting classifications of pathogenicity. Review status: criteria provided, conflicting classifications (1 of 4 stars). 5 submissions from 5 submitters: Uncertain significance (4); Likely benign (1). Last evaluated 2023-10-17.

Conditions:
Hereditary cancer-predisposing syndrome. Also called: Neoplastic Syndromes, Hereditary; Hereditary Cancer Syndrome; Hereditary neoplastic syndrome; Tumor predisposition. Identifiers: Orphanet 140162, MedGen C0027672, MeSH D009386, MONDO:0015356.
Hereditary breast ovarian cancer syndrome. Also called: Hereditary breast and ovarian cancer syndrome (HBOC); Hereditary breast and ovarian cancer syndrome; Breast and ovarian cancer; Hereditary breast and/or ovarian cancer syndrome; Hereditary breast and ovarian cancer; BRCA1- and BRCA2-Associated Hereditary Breast and Ovarian Cancer. Identifiers: Orphanet 145, MedGen C0677776, MeSH D061325, MONDO:0003582. Disease mechanism: loss of function.

Submissions (5):

Ambry Genetics
Classification: Uncertain significance for Hereditary cancer-predisposing syndrome. Last evaluated: 2023-10-17. Review status: criteria provided, single submitter. Criteria: Ambry Variant Classification Scheme 2023. Collection method: clinical testing. Allele origin: germline.
Comment: The p.I1173V variant (also known as c.3517A>G), located in coding exon 10 of the BRCA2 gene, results from an A to G substitution at nucleotide position 3517. The isoleucine at codon 1173 is replaced by valine, an amino acid with highly similar properties. This variant was observed in a study of 1010 unrelated Indian patients with breast and/or ovarian cancer (Singh J et al. Breast Cancer Res Treat, 2018 Jul;170:189-196). This amino acid position is poorly conserved in available vertebrate species. In addition, this alteration is predicted to be tolerated by in silico analysis. Since supporting evidence is limited at this time, the clinical significance of this alteration remains unclear.

University of Washington Department of Laboratory Medicine, University of Washington
Classification: Likely benign for Hereditary cancer-predisposing syndrome. Last evaluated: 2023-03-23. Review status: criteria provided, single submitter. Criteria: Dines et al. (Genet Med. 2020). Collection method: curation. Allele origin: germline.
Comment: Missense variant in a coldspot region where missense variants are very unlikely to be pathogenic (PMID:31911673).

BRCA2 exon 11 coldspot. Reclassification based on statistical prior probability.

Labcorp Genetics (formerly Invitae), Labcorp
Classification: Uncertain significance for Hereditary breast ovarian cancer syndrome. Last evaluated: 2021-11-26. Review status: criteria provided, single submitter. Criteria: Invitae Variant Classification Sherloc (09022015). Collection method: clinical testing. Allele origin: germline.
Comment: This sequence change replaces isoleucine, which is neutral and non-polar, with valine, which is neutral and non-polar, at codon 1173 of the BRCA2 protein (p.Ile1173Val). This variant is not present in population databases (gnomAD no frequency). This missense change has been observed in individual(s) with breast and/or ovarian cancer (PMID: 29470806). ClinVar contains an entry for this variant (Variation ID: 462295). Advanced modeling of protein sequence and biophysical properties (such as structural, functional, and spatial information, amino acid conservation, physicochemical variation, residue mobility, and thermodynamic stability) performed at Invitae indicates that this missense variant is not expected to disrupt BRCA2 protein function. RNA analysis indicates that this missense change does not impact mRNA splicing (Invitae). In summary, the available evidence is currently insufficient to determine the role of this variant in disease. Therefore, it has been classified as a Variant of Uncertain Significance.

Color Diagnostics, LLC DBA Color Health
Classification: Uncertain significance for Hereditary cancer-predisposing syndrome. Last evaluated: 2019-05-30. Review status: criteria provided, single submitter. Criteria: ACMG Guidelines, 2015. Collection method: clinical testing. Allele origin: germline.

Quest Diagnostics Nichols Institute San Juan Capistrano
Classification: Uncertain significance. Last evaluated: 2018-01-04. Review status: criteria provided, single submitter. Criteria: Quest Diagnostics criteria. Collection method: clinical testing. Allele origin: germline.

Literature cited by the submitters: PubMed 29470806 (cited by Ambry Genetics and Labcorp Genetics (formerly Invitae), Labcorp).

NM_000059.4(BRCA2):c.3517A>G (p.Ile1173Val)

Gene: BRCA2 (BRCA2 DNA repair associated; plus strand). Cytogenetic location: 13q13.1.
Variant type: single nucleotide variant.
Coding change: c.3517A>G on transcript NM_000059.4 (MANE Select); coding-DNA position 3517, A replaced by G.
Protein change: p.Ile1173Val; replaces isoleucine 1173 with valine.
Molecular consequence: missense variant.
Genome position (GRCh38, 1-based): chr13:32,337,872, A>G. VCF-style: chr13-32337872-A-G. GRCh37 (hg19) VCF-style: chr13-32912009-A-G.
Other names: short protein forms I1173V.
Identifiers: ClinVar variation 462295 (VCV000462295.11), dbSNP rs431825308, ClinGen allele CA387777031.